The following is an entry in ClinVar:

NM_000384.3(APOB):c.8761T>G (p.Trp2921Gly)

Gene: APOB (apolipoprotein B; minus strand). Cytogenetic location: 2p24.1.
Variant type: single nucleotide variant.
Coding change: c.8761T>G on transcript NM_000384.3 (MANE Select); coding-DNA position 8761, T replaced by G.
Protein change: p.Trp2921Gly; replaces tryptophan 2921 with glycine.
Molecular consequence: missense variant.
Genome position (GRCh38, 1-based): chr2:21,008,107, A>C on the plus strand (T>G on the coding strand, the complement: APOB is on the minus strand). VCF-style: chr2-21008107-A-C. GRCh37 (hg19) VCF-style: chr2-21230979-A-C.
Other names: short protein forms W2921G.
Identifiers: ClinVar variation 1764577 (VCV001764577.2), dbSNP rs759147690, ClinGen allele CA345993425.

ClinVar aggregate classification (germline): Uncertain significance (1 of 4 stars; one submission).

Conditions:
Cardiovascular phenotype. Identifiers: MedGen CN230736.

Allele frequency attached by ClinVar (database versions not stated): TOPMed below 0.00001; gnomAD 0.00001.
gnomAD v4.1: 1 of 1,613,936 alleles (0.000062%); highest among the groups gnomAD compares: African/African-American, 0.0013%; no homozygotes.

Submission:

Ambry Genetics
Classification: Uncertain significance for Cardiovascular phenotype. Last evaluated: 2021-07-15. Review status: criteria provided, single submitter. Criteria: Ambry Variant Classification Scheme 2023. Collection method: clinical testing. Allele origin: germline.
Comment: The p.W2921G variant (also known as c.8761T>G), located in coding exon 26 of the APOB gene, results from a T to G substitution at nucleotide position 8761. The tryptophan at codon 2921 is replaced by glycine, an amino acid with highly dissimilar properties. This amino acid position is conserved. In addition, this alteration is predicted to be tolerated by in silico analysis. Since supporting evidence is limited at this time, the clinical significance of this alteration remains unclear.